The following is an entry in ClinVar:

NM_000548.5(TSC2):c.2279C>T (p.Thr760Ile)

Gene: TSC2 (TSC complex subunit 2; plus strand). Cytogenetic location: 16p13.3.
Variant type: single nucleotide variant.
Coding change: c.2279C>T on transcript NM_000548.5 (MANE Select); coding-DNA position 2279, C replaced by T.
Protein change: p.Thr760Ile; replaces threonine 760 with isoleucine.
Molecular consequence: missense variant.
Genome position (GRCh38, 1-based): chr16:2,072,907, C>T. VCF-style: chr16-2072907-C-T. GRCh37 (hg19) VCF-style: chr16-2122908-C-T.
Other names: c.2279C>T, p.Thr760Ile (NM_021055.3, NM_001077183.3, NM_001114382.3 and 3 more transcripts); c.2168C>T, p.Thr723Ile (NM_001318827.2); c.2132C>T, p.Thr711Ile (NM_001318829.2); c.1679C>T, p.Thr560Ile (NM_001318831.2); c.2312C>T, p.Thr771Ile (NM_001318832.2); short protein forms T760I, T723I, T560I, T771I, T711I.
Identifiers: ClinVar variation 405974 (VCV000405974.9), dbSNP rs1060500920, ClinGen allele CA16615070.

ClinVar aggregate classification (germline): Uncertain significance. Review status: criteria provided, multiple submitters, no conflicts (2 of 4 stars). 2 submissions from 2 submitters: Uncertain significance (2). Last evaluated 2025-08-23.

Conditions:
Hereditary cancer-predisposing syndrome. Also called: Tumor predisposition; Neoplastic Syndromes, Hereditary; Hereditary Cancer Syndrome; Hereditary neoplastic syndrome. Identifiers: Orphanet 140162, MedGen C0027672, MeSH D009386, MONDO:0015356.
Tuberous sclerosis 2 (TSC2). Identifiers: Orphanet 805, MedGen C1860707, MONDO:0013199, OMIM 613254.

Submissions (2):

Ambry Genetics
Classification: Uncertain significance for Hereditary cancer-predisposing syndrome. Last evaluated: 2025-08-23. Review status: criteria provided, single submitter. Criteria: Ambry Variant Classification Scheme 2023. Collection method: clinical testing. Allele origin: germline.
Comment: The p.T760I variant (also known as c.2279C>T), located in coding exon 20 of the TSC2 gene, results from a C to T substitution at nucleotide position 2279. The threonine at codon 760 is replaced by isoleucine, an amino acid with similar properties. This amino acid position is conserved. In addition, this alteration is predicted to be deleterious by in silico analysis. Based on the available evidence, the clinical significance of this variant remains unclear.

Labcorp Genetics (formerly Invitae), Labcorp
Classification: Uncertain significance for Tuberous sclerosis 2. Last evaluated: 2025-02-12. Review status: criteria provided, single submitter. Criteria: Invitae Variant Classification Sherloc (09022015). Collection method: clinical testing. Allele origin: germline.
Comment: This sequence change replaces threonine, which is neutral and polar, with isoleucine, which is neutral and non-polar, at codon 760 of the TSC2 protein (p.Thr760Ile). This variant is not present in population databases (gnomAD no frequency). This variant has not been reported in the literature in individuals affected with TSC2-related conditions. ClinVar contains an entry for this variant (Variation ID: 405974). Invitae Evidence Modeling of protein sequence and biophysical properties (such as structural, functional, and spatial information, amino acid conservation, physicochemical variation, residue mobility, and thermodynamic stability) indicates that this missense variant is not expected to disrupt TSC2 protein function with a negative predictive value of 95%. In summary, the available evidence is currently insufficient to determine the role of this variant in disease. Therefore, it has been classified as a Variant of Uncertain Significance.